The following is an entry in ClinVar:

ClinVar aggregate classification (germline): Likely benign (0 of 4 stars; one submission).

Conditions:
OCRL-related disorder. Also called: OCRL-related condition.

Allele frequency attached by ClinVar (database versions not stated): gnomAD exomes below 0.00001; ExAC 0.00001.
gnomAD v4.1: 1 of 1,200,067 alleles (0.000083%); highest among the groups gnomAD compares: African/African-American, 0.0017%; no homozygotes.

Submission:

PreventionGenetics, part of Exact Sciences
Classification: Likely benign for OCRL-related condition. Last evaluated: 2021-08-19. Review status: no assertion criteria provided. Collection method: clinical testing. Allele origin: germline.
Comment: This variant is classified as likely benign based on ACMG/AMP sequence variant interpretation guidelines (Richards et al. 2015 PMID: 25741868, with internal and published modifications).

NM_000276.4(OCRL):c.1683C>T (p.Phe561=)

Gene: OCRL (OCRL inositol polyphosphate-5-phosphatase; plus strand). Cytogenetic location: Xq26.1.
Variant type: single nucleotide variant.
Coding change: c.1683C>T on transcript NM_000276.4 (MANE Select); coding-DNA position 1683, C replaced by T.
Protein change: p.Phe561=; no amino-acid change (phenylalanine 561 retained).
Molecular consequence: synonymous variant.
Genome position (GRCh38, 1-based): chrX:129,575,220, C>T. VCF-style: chrX-129575220-C-T. GRCh37 (hg19) VCF-style: chrX-128709197-C-T.
Other names: c.1686C>T, p.Phe562= (NM_001318784.2); c.1683C>T, p.Phe561= (NM_001587.4).
Identifiers: ClinVar variation 3029485 (VCV003029485.2), dbSNP rs760604191, ClinGen allele CA10512231.